The following is an entry in ClinVar:

ClinVar aggregate classification (germline): Likely benign (1 of 4 stars; one submission).

Allele frequency attached by ClinVar (database versions not stated): 1000 Genomes Project 0.00120; gnomAD 0.00164; 1000 Genomes Project 30x 0.00203.
gnomAD v4.1: 1,795 of 1,578,696 alleles (0.11%); highest among the groups gnomAD compares: Middle Eastern, 0.27%; 176 homozygotes.

Submission:

CeGaT Center for Human Genetics Tuebingen
Classification: Likely benign. Last evaluated: 2026-05-01. Review status: criteria provided, single submitter. Criteria: CeGaT Center For Human Genetics Tuebingen Variant Classification Criteria Version 2. Collection method: clinical testing. Allele origin: germline. Affected: yes. Observed: 4 variant alleles.
Comment: AHNAK2: BP4, BS2

NM_138420.4(AHNAK2):c.6064G>C (p.Val2022Leu)

Gene: AHNAK2 (AHNAK nucleoprotein 2; minus strand). Cytogenetic location: 14q32.33.
Variant type: single nucleotide variant.
Coding change: c.6064G>C on transcript NM_138420.4 (MANE Select); coding-DNA position 6064, G replaced by C.
Protein change: p.Val2022Leu; replaces valine 2022 with leucine.
Molecular consequence: missense variant.
Genome position (GRCh38, 1-based): chr14:104,949,387, C>G on the plus strand (G>C on the coding strand, the complement: AHNAK2 is on the minus strand). VCF-style: chr14-104949387-C-G. GRCh37 (hg19) VCF-style: chr14-105415724-C-G.
Other names: c.5764G>C, p.Val1922Leu (NM_001350929.2); short protein forms V1922L, V2022L.
Identifiers: ClinVar variation 2644757 (VCV002644757.24), dbSNP rs200472179, ClinGen allele CA7381362.